The following is an entry in ClinVar:

NM_000051.4(ATM):c.6516A>G (p.Thr2172=)

Genes: ATM (ATM serine/threonine kinase; plus strand), C11orf65 (chromosome 11 open reading frame 65; minus strand). Cytogenetic location: 11q22.3.
Variant type: single nucleotide variant.
Coding change: c.6516A>G on transcript NM_000051.4 (MANE Select); coding-DNA position 6516, A replaced by G.
Protein change: p.Thr2172=; no amino-acid change (threonine 2172 retained).
Molecular consequence: synonymous variant. On other transcripts: intron variant (2).
Genome position (GRCh38, 1-based): chr11:108,321,364, A>G. VCF-style: chr11-108321364-A-G. GRCh37 (hg19) VCF-style: chr11-108192091-A-G.
Other names: c.6516A>G, p.Thr2172= (NM_001351834.2); c.641-12293T>C (NM_001330368.2); c.*39-12293T>C (NM_001351110.2).
Identifiers: ClinVar variation 826458 (VCV000826458.17), dbSNP rs576254168, ClinGen allele CA6265961.

ClinVar aggregate classification (germline): Benign/Likely benign. Review status: criteria provided, multiple submitters, no conflicts (2 of 4 stars). 5 submissions from 5 submitters: Benign (1); Likely benign (4). Last evaluated 2024-09-09.

Conditions:
Hereditary cancer-predisposing syndrome. Also called: Tumor predisposition; Neoplastic Syndromes, Hereditary; Hereditary Cancer Syndrome; Hereditary neoplastic syndrome. Identifiers: Orphanet 140162, MedGen C0027672, MeSH D009386, MONDO:0015356.
Familial cancer of breast. Also called: Hereditary breast cancer; BREAST CANCER, FAMILIAL; hereditary breast carcinoma. Identifiers: Orphanet 227535, MedGen C0346153, MONDO:0016419, OMIM 114480. Disease mechanism: loss of function.
Ataxia-telangiectasia syndrome (AT). Also called: ATAXIA-TELANGIECTASIA, COMPLEMENTATION GROUP A; ATAXIA-TELANGIECTASIA, FRESNO VARIANT; Ataxia-telangiectasia; Ataxia-telangiectasia, complementation group D; AT, COMPLEMENTATION GROUP C; Ataxia-telangiectasia, complementation group E. Identifiers: Orphanet 100, MedGen C0004135, MONDO:0008840, OMIM 208900.

Allele frequency attached by ClinVar (database versions not stated): gnomAD exomes 0.00001; 1000 Genomes Project 0.00020; 1000 Genomes Project 30x 0.00016; ExAC 0.00001; gnomAD 0.00001.
gnomAD v4.1: 2 of 1,614,192 alleles (0.00012%); highest among the groups gnomAD compares: African/African-American, 0.0013%; no homozygotes.

Submissions (5):

Women's Health and Genetics/Laboratory Corporation of America, LabCorp
Classification: Likely benign. Last evaluated: 2024-09-09. Review status: criteria provided, single submitter. Criteria: LabCorp Variant Classification Summary - May 2015. Collection method: clinical testing. Allele origin: germline.

Labcorp Genetics (formerly Invitae), Labcorp
Classification: Likely benign for Ataxia-telangiectasia syndrome. Last evaluated: 2024-08-06. Review status: criteria provided, single submitter. Criteria: Invitae Variant Classification Sherloc (09022015). Collection method: clinical testing. Allele origin: germline.

Myriad Genetics, Inc.
Classification: Benign for Familial cancer of breast. Last evaluated: 2024-06-06. Review status: criteria provided, single submitter. Criteria: Myriad Autosomal Dominant, Autosomal Recessive and X-Linked Classification Criteria (2023). Collection method: clinical testing. Allele origin: unknown.
Comment: This variant is considered benign. This variant is a silent/synonymous amino acid change and it is not expected to impact splicing.

Color Diagnostics, LLC DBA Color Health
Classification: Likely benign for Hereditary cancer-predisposing syndrome. Last evaluated: 2019-12-04. Review status: criteria provided, single submitter. Criteria: ACMG Guidelines, 2015. Collection method: clinical testing. Allele origin: germline.

Ambry Genetics
Classification: Likely benign for Hereditary cancer-predisposing syndrome. Last evaluated: 2019-06-13. Review status: criteria provided, single submitter. Criteria: Ambry Variant Classification Scheme 2023. Collection method: clinical testing. Allele origin: germline.